The following is an entry in ClinVar:

NM_003900.5(SQSTM1):c.128C>T (p.Pro43Leu)

Gene: SQSTM1 (sequestosome 1; plus strand). Cytogenetic location: 5q35.3.
Variant type: single nucleotide variant.
Coding change: c.128C>T on transcript NM_003900.5 (MANE Select); coding-DNA position 128, C replaced by T.
Protein change: p.Pro43Leu; replaces proline 43 with leucine.
Molecular consequence: missense variant. On other transcripts: intron variant (2).
Genome position (GRCh38, 1-based): chr5:179,821,064, C>T. VCF-style: chr5-179821064-C-T. GRCh37 (hg19) VCF-style: chr5-179248064-C-T.
Other names: c.-47-1894C>T (NM_001142298.2, NM_001142299.2); short protein forms P43L.
Identifiers: ClinVar variation 4794244 (VCV004794244.1).

ClinVar aggregate classification (germline): Uncertain significance (1 of 4 stars; one submission).

Conditions:
Frontotemporal dementia and/or amyotrophic lateral sclerosis 1 (FTDALS1). Also called: C9orf72 Frontotemporal Dementia and/or Amyotrophic Lateral Sclerosis; Frontotemporal dementia with motor neuron disease 1. Identifiers: Orphanet 275872, MedGen C5779877, MONDO:0007105, OMIM 105550.
Paget disease of bone 2, early-onset (PDB2). Also called: Paget disease of bone 2. Identifiers: MedGen C4085251, MONDO:0011183, OMIM 602080.

gnomAD v4.1: 2 of 1,494,944 alleles (0.00013%); highest among the groups gnomAD compares: South Asian, 0.0025%; no homozygotes.

Submission:

Labcorp Genetics (formerly Invitae), Labcorp
Classification: Uncertain significance for Paget disease of bone 2, early-onset; Frontotemporal dementia and/or amyotrophic lateral sclerosis 1. Last evaluated: 2025-06-22. Review status: criteria provided, single submitter. Criteria: Invitae Variant Classification Sherloc (09022015). Collection method: clinical testing. Allele origin: germline.
Comment: This sequence change replaces proline, which is neutral and non-polar, with leucine, which is neutral and non-polar, at codon 43 of the SQSTM1 protein (p.Pro43Leu). This variant is not present in population databases (gnomAD no frequency). This variant has not been reported in the literature in individuals affected with SQSTM1-related conditions. Invitae Evidence Modeling of protein sequence and biophysical properties (such as structural, functional, and spatial information, amino acid conservation, physicochemical variation, residue mobility, and thermodynamic stability) indicates that this missense variant is not expected to disrupt SQSTM1 protein function with a negative predictive value of 80%. In summary, the available evidence is currently insufficient to determine the role of this variant in disease. Therefore, it has been classified as a Variant of Uncertain Significance.